The following is an entry in ClinVar:

NM_057175.5(NAA15):c.1014+1G>A

Gene: NAA15 (N-alpha-acetyltransferase 15, NatA auxiliary subunit; plus strand). Cytogenetic location: 4q31.1.
Variant type: single nucleotide variant.
Coding change: c.1014+1G>A on transcript NM_057175.5 (MANE Select); the canonical splice donor site of the intron after coding-DNA position 1014, G replaced by A.
Molecular consequence: splice donor variant.
Genome position (GRCh38, 1-based): chr4:139,351,612, G>A. VCF-style: chr4-139351612-G-A. GRCh37 (hg19) VCF-style: chr4-140272766-G-A.
Other names: c.1014+1G>A (NM_001410842.1).
Identifiers: ClinVar variation 4750022 (VCV004750022.1).

ClinVar aggregate classification (germline): Likely pathogenic (1 of 4 stars; one submission).

Submission:

Labcorp Genetics (formerly Invitae), Labcorp
Classification: Likely pathogenic. Last evaluated: 2025-10-01. Review status: criteria provided, single submitter. Criteria: Invitae Variant Classification Sherloc (09022015). Collection method: clinical testing. Allele origin: germline.
Comment: This sequence change affects a donor splice site in intron 9 of the NAA15 gene. It is expected to disrupt RNA splicing. Variants that disrupt the donor or acceptor splice site typically lead to a loss of protein function (PMID: 16199547), and loss-of-function variants in NAA15 are known to be pathogenic (PMID: 28191889, 29656860). This variant is not present in population databases (gnomAD no frequency). This variant has not been reported in the literature in individuals affected with NAA15-related conditions. Algorithms developed to predict the effect of sequence changes on RNA splicing suggest that this variant may disrupt the consensus splice site. In summary, the currently available evidence indicates that the variant is pathogenic, but additional data are needed to prove that conclusively. Therefore, this variant has been classified as Likely Pathogenic.

Literature cited by the submitters: PubMed 16199547; PubMed 28191889; PubMed 29656860.